The following is an entry in ClinVar:

NM_000018.4(ACADVL):c.316_325del (p.Val106fs)

Gene: ACADVL (acyl-CoA dehydrogenase very long chain; plus strand). Cytogenetic location: 17p13.1.
Variant type: Deletion.
Coding change: c.316_325del on transcript NM_000018.4 (MANE Select); coding-DNA positions 316 to 325, 10 bases deleted (GTGGAGCCTG; older notation c.316_325delGTGGAGCCTG).
Protein change: p.Val106fs; shifts the reading frame from valine 106.
Molecular consequence: frameshift variant.
Genome position (GRCh38, 1-based): chr17:7,220,804-7,220,813, GTGGAGCCTG deleted; deleting any 10 consecutive bases within chr17:7,220,801-7,220,813 gives the same sequence; the c. name uses the placement nearest the transcript's 3' end. VCF-style (leftmost placement, unchanged base first): chr17-7220800-GCTGGTGGAGC-G. GRCh37 (hg19) VCF-style: chr17-7124119-GCTGGTGGAGC-G.
Other names: NM_000018.4(ACADVL):c.316_325del; p.Val106fs; c.250_259del, p.Val84fs (NM_001033859.3); c.385_394del, p.Val129fs (NM_001270447.2); c.88_97del, p.Val30fs (NM_001270448.2); short protein forms V106fs, V129fs, V30fs, V84fs.
Identifiers: ClinVar variation 373614 (VCV000373614.4), dbSNP rs1057518506, ClinGen allele CA16043042.

ClinVar aggregate classification (germline): Likely pathogenic. Review status: reviewed by expert panel (3 of 4 stars). 2 submissions from 2 submitters: Likely pathogenic (1). 1 of the submissions does not count toward it. Last evaluated 2022-12-14.

Conditions:
Very long chain acyl-CoA dehydrogenase deficiency (ACADVLD). Also called: VLCAD Deficiency; Very Long-Chain Acyl-Coenzyme A Dehydrogenase Deficiency. Identifiers: Orphanet 26793, MedGen C3887523, MONDO:0008723, OMIM 201475.

Submissions (2):

ClinGen ACADVL Variant Curation Expert Panel, ClinGen
Classification: Likely pathogenic for Very long chain acyl-CoA dehydrogenase deficiency. Last evaluated: 2022-12-14. Review status: reviewed by expert panel. Criteria: clingen acadvl acmg specifications v1. Collection method: curation. Allele origin: germline. Inheritance: Autosomal recessive inheritance.
Comment: The c.316_325del (p.Val106Cysfs*8) variant in ACADVL is a frameshift variant predicted to cause a premature stop codon in biologically-relevant-exon 5/20 leading to nonsense mediated decay in a gene in which loss-of-function is an established disease mechanism (PVS1; PMIDs: 9973285, 11590124). This variant is absent from gnomAD 2.1.1 (PM2_Supporting). To our knowledge, this variant has not been reported in the literature in any individuals with VLCADD. To our knowledge, functional assays have not been reported for this variant. In summary, this variant has been classified as LIKELY PATHOGENIC for autosomal recessive very long chain acyl-CoA dehydrogenase (VLCAD) deficiency based on the ACMG/AMP criteria applied, as specified by the ACADVL Expert Panel: PVS1, PM2_Supporting (ClinGen ACADVL VCEP specifications version#2.0; approved 05-09-22).

GeneDx
Classification: Pathogenic. Last evaluated: 2016-11-22. Review status: criteria provided, single submitter. Criteria: GeneDx Variant Classification (06012015). Collection method: clinical testing. Allele origin: germline. Affected: yes. Not counted in ClinVar's aggregate classification.
Comment: The c.316_325del10 variant in the ACADVL gene has not been published as a pathogenic variant, nor has it been reported as a benign variant to our knowledge. The c.316_325del10 variant was not observed in approximately 6500 individuals of European and African American ancestry in the NHLBI Exome Sequencing Project, indicating it is not a common benign variant in these populations. The c.316_325del10 variant causes a frameshift starting with codon Valine 106, changes this amino acid to a Cysteine residue and creates a premature Stop codon at position 8 of the new reading frame, denoted p.Val106CysfsX8. This variant is predicted to cause loss of normal protein function either through protein truncation or nonsense-mediated mRNA decay. In summary, we interpret c.316_325del10 to be pathogenic.